The following is an entry in ClinVar:

NM_001330260.2(SCN8A):c.5598del (p.Gln1867fs)

Gene: SCN8A (sodium voltage-gated channel alpha subunit 8; plus strand). Cytogenetic location: 12q13.13.
Variant type: Deletion.
Coding change: c.5598del on transcript NM_001330260.2 (MANE Select); coding-DNA position 5598, one base deleted (G; older notation c.5598delG).
Protein change: p.Gln1867fs; shifts the reading frame from glutamine 1867.
Molecular consequence: frameshift variant.
Genome position (GRCh38, 1-based): chr12:51,807,084, G deleted; the last of 2 consecutive G bases (chr12:51,807,083-51,807,084); deleting either gives the same sequence. VCF-style (leftmost placement, unchanged base first): chr12-51807082-CG-C. GRCh37 (hg19) VCF-style: chr12-52200866-CG-C.
Other names: c.5475del, p.Gln1826fs (NM_001177984.3, NM_001369788.1); c.5598del, p.Gln1867fs (NM_014191.4); short protein forms Q1826fs, Q1867fs.
Identifiers: ClinVar variation 1315932 (VCV001315932.2), dbSNP rs2138944107, ClinGen allele CA2573053704.

ClinVar aggregate classification (germline): Uncertain significance (1 of 4 stars; one submission).

Submission:

GeneDx
Classification: Uncertain significance. Last evaluated: 2020-11-05. Review status: criteria provided, single submitter. Criteria: GeneDx Variant Classification Process June 2021. Collection method: clinical testing. Allele origin: germline. Affected: yes.
Comment: Not observed in large population cohorts (Lek et al., 2016); Frameshift variant predicted to result in protein truncation, as the last 114 amino acids are replaced with 83 different amino acids, although loss-of-function variants have not been reported downstream of this position in the protein; Has not been previously published as pathogenic or benign to our knowledge